The following is an entry in ClinVar:

ClinVar aggregate classification (germline): Uncertain significance (1 of 4 stars; one submission).

Conditions:
Periodic fever-infantile enterocolitis-autoinflammatory syndrome. Also called: Autoinflammation with infantile enterocolitis. Identifiers: Orphanet 436166, MedGen C4015067, MONDO:0014472, OMIM 616050.
Familial cold autoinflammatory syndrome 4 (FCAS4). Identifiers: Orphanet 47045, Orphanet 576349, MedGen C4015276, MONDO:0014498, OMIM 616115.

Allele frequency attached by ClinVar (database versions not stated): TOPMed below 0.00001.

Submission:

Labcorp Genetics (formerly Invitae), Labcorp
Classification: Uncertain significance for Periodic fever-infantile enterocolitis-autoinflammatory syndrome; Familial cold autoinflammatory syndrome 4. Last evaluated: 2024-01-31. Review status: criteria provided, single submitter. Criteria: Invitae Variant Classification Sherloc (09022015). Collection method: clinical testing. Allele origin: germline.
Comment: This sequence change replaces leucine, which is neutral and non-polar, with phenylalanine, which is neutral and non-polar, at codon 323 of the NLRC4 protein (p.Leu323Phe). This variant is not present in population databases (gnomAD no frequency). This variant has not been reported in the literature in individuals affected with NLRC4-related conditions. Advanced modeling of protein sequence and biophysical properties (such as structural, functional, and spatial information, amino acid conservation, physicochemical variation, residue mobility, and thermodynamic stability) performed at Invitae indicates that this missense variant is not expected to disrupt NLRC4 protein function with a negative predictive value of 80%. In summary, the available evidence is currently insufficient to determine the role of this variant in disease. Therefore, it has been classified as a Variant of Uncertain Significance.

NM_001199138.2(NLRC4):c.967C>T (p.Leu323Phe)

Gene: NLRC4 (NLR family CARD domain containing 4; minus strand). Cytogenetic location: 2p22.3.
Variant type: single nucleotide variant.
Coding change: c.967C>T on transcript NM_001199138.2 (MANE Select); coding-DNA position 967, C replaced by T.
Protein change: p.Leu323Phe; replaces leucine 323 with phenylalanine.
Molecular consequence: missense variant. On other transcripts: intron variant (1).
Genome position (GRCh38, 1-based): chr2:32,250,897, G>A on the plus strand (C>T on the coding strand, the complement: NLRC4 is on the minus strand). VCF-style: chr2-32250897-G-A. GRCh37 (hg19) VCF-style: chr2-32475966-G-A.
Other names: c.967C>T, p.Leu323Phe (NM_001199139.2, NM_021209.5); c.262+1522C>T (NM_001302504.1); short protein forms L323F.
Identifiers: ClinVar variation 2937239 (VCV002937239.3), dbSNP rs1325412719, ClinGen allele CA346513872.